The following is an entry in ClinVar:

NM_021076.4(NEFH):c.1414G>A (p.Glu472Lys)

Gene: NEFH (neurofilament heavy chain; plus strand). Cytogenetic location: 22q12.2.
Variant type: single nucleotide variant.
Coding change: c.1414G>A on transcript NM_021076.4 (MANE Select); coding-DNA position 1414, G replaced by A.
Protein change: p.Glu472Lys; replaces glutamic acid 472 with lysine.
Molecular consequence: missense variant.
Genome position (GRCh38, 1-based): chr22:29,489,054, G>A. VCF-style: chr22-29489054-G-A. GRCh37 (hg19) VCF-style: chr22-29885043-G-A.
Other names: c.1414G>A (NM_021076.3); short protein forms E472K.
Identifiers: ClinVar variation 2085745 (VCV002085745.5), dbSNP rs2517976716, ClinGen allele CA411129865.

ClinVar aggregate classification (germline): Uncertain significance. Review status: criteria provided, multiple submitters, no conflicts (2 of 4 stars). 2 submissions from 2 submitters: Uncertain significance (2). Last evaluated 2025-10-14.

Conditions:
Inborn genetic diseases. Identifiers: MedGen C0950123, MeSH D030342.

Allele frequency attached by ClinVar (database versions not stated): gnomAD exomes below 0.00001.
gnomAD v4.1: 1 of 1,613,972 alleles (0.000062%); highest among the groups gnomAD compares: Non-Finnish European, 0.000085%; no homozygotes.

Submissions (2):

Ambry Genetics
Classification: Uncertain significance for Inborn genetic diseases. Last evaluated: 2025-10-14. Review status: criteria provided, single submitter. Criteria: Ambry Variant Classification Scheme 2023. Collection method: clinical testing. Allele origin: germline.

Labcorp Genetics (formerly Invitae), Labcorp
Classification: Uncertain significance. Last evaluated: 2022-06-01. Review status: criteria provided, single submitter. Criteria: Invitae Variant Classification Sherloc (09022015). Collection method: clinical testing. Allele origin: germline.
Comment: In summary, the available evidence is currently insufficient to determine the role of this variant in disease. Therefore, it has been classified as a Variant of Uncertain Significance. Advanced modeling of protein sequence and biophysical properties (such as structural, functional, and spatial information, amino acid conservation, physicochemical variation, residue mobility, and thermodynamic stability) performed at Invitae indicates that this missense variant is not expected to disrupt NEFH protein function. This variant has not been reported in the literature in individuals affected with NEFH-related conditions. This variant is not present in population databases (gnomAD no frequency). This sequence change replaces glutamic acid, which is acidic and polar, with lysine, which is basic and polar, at codon 472 of the NEFH protein (p.Glu472Lys).